The following is an entry in ClinVar:

NM_000518.5(HBB):c.-10_-7del

Genes: HBB (hemoglobin subunit beta; minus strand), LOC106099062 (HBB recombination region; plus strand), LOC107133510 (origin of replication at HBB; plus strand). Cytogenetic location: 11p15.4.
Variant type: Deletion.
Coding change: c.-10_-7del on transcript NM_000518.5 (MANE Select); 10 bases upstream of the start codon through 7 bases upstream of the start codon, 4 bases deleted (AACA; older notation c.-10_-7delAACA).
Molecular consequence: 5 prime UTR variant.
Genome position (GRCh38, 1-based): chr11:5,227,028-5,227,031, TGTT deleted on the plus strand (AACA on the coding strand, the reverse complement: HBB is on the minus strand); deleting any 4 consecutive bases within chr11:5,227,028-5,227,033 gives the same sequence; the c. name uses the placement nearest the transcript's 3' end. VCF-style (leftmost placement, unchanged base first): chr11-5227027-CTGTT-C. GRCh37 (hg19) VCF-style: chr11-5248257-CTGTT-C.
Other names: CAP +41 to +44 (-AACA); c.-10_-7del (NM_000518.4); c.-10_-7delAACA (NM_000518.5).
Identifiers: ClinVar variation 495971 (VCV000495971.8), dbSNP rs34196559, ClinGen allele CA5839822.
Genomic context (GRCh38, chr11:5,227,027, plus strand): 5'-CCTTGCCCCACAGGGCAGTAACGGCAGACTTCTCCTCAGGAGTCAGATGCACCATGGTGT[CTGTT>C]TGAGGTTGCTAGTGAACACAGTTGTGTCAGAAGCAAATGTAAGCAATAGATGGCTCTGCC-3'

ClinVar aggregate classification (germline): Conflicting classifications of pathogenicity. Review status: criteria provided, conflicting classifications (1 of 4 stars). 4 submissions from 4 submitters: Uncertain significance (1); Likely benign (1). 2 of the submissions do not count toward it. Last evaluated 2025-03-10.

Conditions:
beta Thalassemia (BTHAL). Also called: Cooley's anemia; Erythroblastic anemia; Mediterranean anemia. Identifiers: Orphanet 848, MedGen C0005283, MONDO:0019402. Disease mechanism: loss of function.

Submissions (4):

Women's Health and Genetics/Laboratory Corporation of America, LabCorp
Classification: Likely benign. Last evaluated: 2025-03-10. Review status: criteria provided, single submitter. Criteria: LabCorp Variant Classification Summary - May 2015. Collection method: clinical testing. Allele origin: germline.
Comment: Variant summary: HBB c.-10_-7delAACA is located in the untranslated mRNA region upstream of the initiation codon. The variant allele was found at a frequency of 4e-05 in 251080 control chromosomes. This frequency is not significantly higher than estimated for a pathogenic variant in HBB causing Beta Thalassemia (4e-05 vs 0.011), allowing no conclusion about variant significance. c.-10_-7delAACA has been reported both in cis and trans with pathogenic variants (such as, HBB c.126_129delCTTT) in individuals presented with Beta-Thalassemia trait, suggesting this variant does not contribute to the thalassemic phenotype in these patients (Xinh_2022, Huang_1991, Zhang_2015, LiDZ_2009). Moreover, 2 individuals, heterozygous for the variant of interest, had normal hematological parameters, suggesting that the variant is rare benign polymorphism (Huang_2013). At least one publication reports experimental evidence evaluating an impact on protein function. The most pronounced variant effect results in >50%-90% of normal activity (Sgourou_2004, Frances_1993). The following publications have been ascertained in the context of this evaluation (PMID: 8338769, 2043469, 24200214, 25849334, 15009072, 26715484, 19066892, 35023007). ClinVar contains an entry for this variant (Variation ID: 495971). Based on the evidence outlined above, the variant was classified as likely benign.

Quest Diagnostics Nichols Institute San Juan Capistrano
Classification: Uncertain significance. Last evaluated: 2023-11-21. Review status: criteria provided, single submitter. Criteria: Quest Diagnostics criteria. Collection method: clinical testing. Allele origin: unknown.
Comment: The HBB c.-10_-7del variant has been reported in the published literature in several individuals suspected of thalassemia, however only limited data were available (PMIDs: 2043469 (1991), 25849334 (2015), 34659349 (2021), 35023007 (2022), 35225055 (2022), 35783323 (2022), 36246595 (2022), 36861132 (2023), 37270807 (2023)). Clinically examined asymptomatic individuals were reported in one family study. The mother and daughter carried this variant alone were also asymptomatic. The father who carried the pathogenic variant had a classic beta-thalassemia trait phenotype (PMID: 19066892 (2009)). This variant was also reported with other pathogenic variants (PMIDs: 32473995 (2020), 37270807 (2023)) as well as part of a complex allele in an individual affected with beta thalassemia minor (PMID: 24200214 (2014)). Experimental results were inconclusive due to one study that reported the variant to have reduced expression in murine erythroid cells (PMID: 15009072 (2004)) while another study reported no significant effect on expression in HeLa cells (PMID: 8338769 (1993)). The frequency of this variant in the general population, 0.00033 (6/18360 chromosomes (Genome Aggregation Database)), is uninformative in the assessment of its pathogenicity. Analysis of this variant using software algorithms for the prediction of the effect of nucleotide changes on splicing yielded predictions that this variant does not affect HBB mRNA splicing. Previous names for this variant include CAP +40 to +43 (-AAAC), Beta(CAP), and c.-11_-8delAAAC. Based on the available information, we are unable to determine the clinical significance of this variant.

The ITHANET community portal, The Cyprus Institute of Neurology and Genetics
Classification: Pathogenic for beta Thalassemia. Last evaluated: 2019-11-25. Review status: no assertion criteria provided. Collection method: curation. Allele origin: germline. Not counted in ClinVar's aggregate classification.

Natera, Inc.
Classification: Likely benign for Beta thalassemia. Last evaluated: 2018-10-05. Review status: no assertion criteria provided. Collection method: clinical testing. Allele origin: germline. Not counted in ClinVar's aggregate classification.

Literature cited by the submitters: PubMed 8338769 (cited by 3 submitters); PubMed 2043469 (cited by 3 submitters); PubMed 24200214 (cited by Women's Health and Genetics/Laboratory Corporation of America, LabCorp and Quest Diagnostics Nichols Institute San Juan Capistrano); PubMed 25849334 (cited by Women's Health and Genetics/Laboratory Corporation of America, LabCorp and Quest Diagnostics Nichols Institute San Juan Capistrano); PubMed 15009072 (cited by Women's Health and Genetics/Laboratory Corporation of America, LabCorp and Quest Diagnostics Nichols Institute San Juan Capistrano); PubMed 26715484 (cited by Women's Health and Genetics/Laboratory Corporation of America, LabCorp); PubMed 19066892 (cited by Women's Health and Genetics/Laboratory Corporation of America, LabCorp and Quest Diagnostics Nichols Institute San Juan Capistrano); PubMed 30275481 (cited by Women's Health and Genetics/Laboratory Corporation of America, LabCorp and Quest Diagnostics Nichols Institute San Juan Capistrano); PubMed 35023007 (cited by Women's Health and Genetics/Laboratory Corporation of America, LabCorp and Quest Diagnostics Nichols Institute San Juan Capistrano); PubMed 34659349 (cited by Quest Diagnostics Nichols Institute San Juan Capistrano); PubMed 37270807 (cited by Quest Diagnostics Nichols Institute San Juan Capistrano); PubMed 35225055 (cited by Quest Diagnostics Nichols Institute San Juan Capistrano); PubMed 35783323 (cited by Quest Diagnostics Nichols Institute San Juan Capistrano); PubMed 36246595 (cited by Quest Diagnostics Nichols Institute San Juan Capistrano); PubMed 36861132 (cited by Quest Diagnostics Nichols Institute San Juan Capistrano); PubMed 32473995 (cited by Quest Diagnostics Nichols Institute San Juan Capistrano); PubMed 34893152 (cited by Quest Diagnostics Nichols Institute San Juan Capistrano).